The following is an entry in ClinVar:

ClinVar aggregate classification (germline): Uncertain significance (1 of 4 stars; one submission).

Conditions:
Lethal multiple pterygium syndrome (LMPS). Identifiers: Orphanet 33108, MedGen C1854678, MONDO:0009668, OMIM 253290.

Allele frequency attached by ClinVar (database versions not stated): gnomAD exomes 0.00001; TOPMed 0.00001.
gnomAD v4.1: 7 of 1,613,382 alleles (0.00043%); highest among the groups gnomAD compares: Admixed American, 0.01%; no homozygotes.

Submission:

Labcorp Genetics (formerly Invitae), Labcorp
Classification: Uncertain significance for Lethal multiple pterygium syndrome. Last evaluated: 2024-05-07. Review status: criteria provided, single submitter. Criteria: Invitae Variant Classification Sherloc (09022015). Collection method: clinical testing. Allele origin: germline.
Comment: This sequence change replaces alanine, which is neutral and non-polar, with aspartic acid, which is acidic and polar, at codon 177 of the CHRNA1 protein (p.Ala177Asp). This variant is not present in population databases (gnomAD no frequency). This variant has not been reported in the literature in individuals affected with CHRNA1-related conditions. ClinVar contains an entry for this variant (Variation ID: 952632). Advanced modeling of protein sequence and biophysical properties (such as structural, functional, and spatial information, amino acid conservation, physicochemical variation, residue mobility, and thermodynamic stability) performed at Invitae indicates that this missense variant is not expected to disrupt CHRNA1 protein function with a negative predictive value of 80%. In summary, the available evidence is currently insufficient to determine the role of this variant in disease. Therefore, it has been classified as a Variant of Uncertain Significance.

NM_000079.4(CHRNA1):c.530C>A (p.Ala177Asp)

Gene: CHRNA1 (cholinergic receptor nicotinic alpha 1 subunit; minus strand). Cytogenetic location: 2q31.1.
Variant type: single nucleotide variant.
Coding change: c.530C>A on transcript NM_000079.4 (MANE Select); coding-DNA position 530, C replaced by A.
Protein change: p.Ala177Asp; replaces alanine 177 with aspartic acid.
Molecular consequence: missense variant.
Genome position (GRCh38, 1-based): chr2:174,754,229, G>T on the plus strand (C>A on the coding strand, the complement: CHRNA1 is on the minus strand). VCF-style: chr2-174754229-G-T. GRCh37 (hg19) VCF-style: chr2-175618957-G-T.
Other names: c.605C>A, p.Ala202Asp (NM_001039523.3); short protein forms A177D, A202D.
Identifiers: ClinVar variation 952632 (VCV000952632.9), dbSNP rs1487449348, ClinGen allele CA349340805.
Genomic context (GRCh38, chr2:174,754,229, plus strand): 5'-GAATCACAATTTTCCTGAAACCACCCTTATCATATGTGGCCACCACCTACCGGGTTGATG[G>T]CCACGACAGAGCCGTCGTAGGTCCAGGTGCCCAGCTTCATGCTGCAGTTCTGTTCATCAA-3'
Protein context (NP_000070.1, residues 167-187): GTWTYDGSVV[Ala177Asp]INPESDQPDL